The following is an entry in ClinVar:

NM_030665.4(RAI1):c.3600C>G (p.Ser1200Arg)

Gene: RAI1 (retinoic acid induced 1; plus strand). Cytogenetic location: 17p11.2.
Variant type: single nucleotide variant.
Coding change: c.3600C>G on transcript NM_030665.4 (MANE Select); coding-DNA position 3600, C replaced by G.
Protein change: p.Ser1200Arg; replaces serine 1200 with arginine.
Molecular consequence: missense variant.
Genome position (GRCh38, 1-based): chr17:17,796,548, C>G. VCF-style: chr17-17796548-C-G. GRCh37 (hg19) VCF-style: chr17-17699862-C-G.
Other names: short protein forms S1200R.
Identifiers: ClinVar variation 2913333 (VCV002913333.3), dbSNP rs747532424, ClinGen allele CA8418759.
Genomic context (GRCh38, chr17:17,796,548, plus strand): 5'-CAGCCACTTGCCCGCCACATTCAAGGTCTCCAGCAGCCCCCAGAAGGAGGGCAGGGTGAG[C>G]CAGCGGGCAAGGGTCCCCAAACCTGGTGCAGGCAGCAAGCTCTCTGACCGGCCCCTCCAT-3'
Protein context (NP_109590.3, residues 1190-1210): SSSPQKEGRV[Ser1200Arg]QRARVPKPGA

ClinVar aggregate classification (germline): Uncertain significance (1 of 4 stars; one submission).

Allele frequency attached by ClinVar (database versions not stated): gnomAD exomes below 0.00001; ExAC 0.00001.
gnomAD v4.1: 5 of 1,610,950 alleles (0.00031%); highest among the groups gnomAD compares: Non-Finnish European, 0.00042%; no homozygotes.

Submission:

Labcorp Genetics (formerly Invitae), Labcorp
Classification: Uncertain significance. Last evaluated: 2023-04-06. Review status: criteria provided, single submitter. Criteria: Invitae Variant Classification Sherloc (09022015). Collection method: clinical testing. Allele origin: germline.
Comment: Advanced modeling of protein sequence and biophysical properties (such as structural, functional, and spatial information, amino acid conservation, physicochemical variation, residue mobility, and thermodynamic stability) performed at Invitae indicates that this missense variant is not expected to disrupt RAI1 protein function. This sequence change replaces serine, which is neutral and polar, with arginine, which is basic and polar, at codon 1200 of the RAI1 protein (p.Ser1200Arg). This variant is present in population databases (rs747532424, gnomAD 0.0009%). This variant has not been reported in the literature in individuals affected with RAI1-related conditions. In summary, the available evidence is currently insufficient to determine the role of this variant in disease. Therefore, it has been classified as a Variant of Uncertain Significance.